The following is an entry in ClinVar:

ClinVar aggregate classification (germline): Uncertain significance. Review status: criteria provided, multiple submitters, no conflicts (2 of 4 stars). 2 submissions from 2 submitters: Uncertain significance (2). Last evaluated 2025-09-15.

Submissions (2):

Labcorp Genetics (formerly Invitae), Labcorp
Classification: Uncertain significance. Last evaluated: 2025-09-15. Review status: criteria provided, single submitter. Criteria: Invitae Variant Classification Sherloc (09022015). Collection method: clinical testing. Allele origin: germline.
Comment: This sequence change replaces aspartic acid, which is acidic and polar, with glycine, which is neutral and non-polar, at codon 195 of the HNF1B protein (p.Asp195Gly). This variant is not present in population databases (gnomAD no frequency). This variant has not been reported in the literature in individuals affected with HNF1B-related conditions. ClinVar contains an entry for this variant (Variation ID: 1316139). Invitae Evidence Modeling of protein sequence and biophysical properties (such as structural, functional, and spatial information, amino acid conservation, physicochemical variation, residue mobility, and thermodynamic stability) has been performed for this missense variant. However, the output from this modeling did not meet the statistical confidence thresholds required to predict the impact of this variant on HNF1B protein function. In summary, the available evidence is currently insufficient to determine the role of this variant in disease. Therefore, it has been classified as a Variant of Uncertain Significance.

GeneDx
Classification: Uncertain significance. Last evaluated: 2019-08-13. Review status: criteria provided, single submitter. Criteria: GeneDx Variant Classification Process June 2021. Collection method: clinical testing. Allele origin: germline. Affected: yes.
Comment: Not observed in large population cohorts (Lek et al., 2016); In silico analysis, which includes protein predictors and evolutionary conservation, supports that this variant does not alter protein structure/function; Has not been previously published as pathogenic or benign to our knowledge

NM_000458.4(HNF1B):c.584A>G (p.Asp195Gly)

Genes: HNF1B (HNF1 homeobox B; minus strand), LOC126862549 (BRD4-independent group 4 enhancer GRCh37_chr17:36093401-36094600; plus strand). Cytogenetic location: 17q12.
Variant type: single nucleotide variant.
Coding change: c.584A>G on transcript NM_000458.4 (MANE Select); coding-DNA position 584, A replaced by G.
Protein change: p.Asp195Gly; replaces aspartic acid 195 with glycine.
Molecular consequence: missense variant. On other transcripts: intron variant (2).
Genome position (GRCh38, 1-based): chr17:37,733,782, T>C on the plus strand (A>G on the coding strand, the complement: HNF1B is on the minus strand). VCF-style: chr17-37733782-T-C. GRCh37 (hg19) VCF-style: chr17-36093775-T-C.
Other names: c.545-39A>G (NM_001304286.2, NM_001165923.4); short protein forms D195G.
Identifiers: ClinVar variation 1316139 (VCV001316139.4), dbSNP rs2147553672, ClinGen allele CA398749836.
Genomic context (GRCh38, chr17:37,733,782, plus strand): 5'-CCATGGCTCTGTTGACTGAACTCTGGAAAGAGAAACAGCAGCTGATCCTGACTGCTTTTG[T>C]CTGTCATATTTCCAGAACTCTGGACTGTCTGGTTGAATTCTGAAAAGAGAAAGGAGTAGA-3'
Protein context (NP_000449.1, residues 185-205): QTVQSSGNMT[Asp195Gly]KSSQDQLLFL